The following is an entry in ClinVar:

ClinVar aggregate classification (germline): Uncertain significance. Review status: criteria provided, multiple submitters, no conflicts (2 of 4 stars). 6 submissions from 6 submitters: Uncertain significance (6). Last evaluated 2025-12-03.

Conditions:
Endometrial carcinoma. Also called: Endometrial carcinoma, somatic. Identifiers: MedGen C0476089, MONDO:0002447, OMIM 608089, HP:0012114.
Familial adenomatous polyposis 4 (FAP4). Also called: MSH3-related attenuated familial adenomatous polyposis. Identifiers: Orphanet 480536, MedGen C4310719, MONDO:0044300, OMIM 617100.
Hereditary cancer-predisposing syndrome. Also called: Neoplastic Syndromes, Hereditary; Tumor predisposition; Hereditary Cancer Syndrome; Hereditary neoplastic syndrome. Identifiers: Orphanet 140162, MedGen C0027672, MeSH D009386, MONDO:0015356.

Allele frequency attached by ClinVar (database versions not stated): gnomAD 0.00001; gnomAD exomes 0.00002; TOPMed 0.00002.
gnomAD v4.1: 84 of 1,614,014 alleles (0.0052%); highest among the groups gnomAD compares: Middle Eastern, 0.016%; no homozygotes.

Submissions (6):

Labcorp Genetics (formerly Invitae), Labcorp
Classification: Uncertain significance. Last evaluated: 2025-12-03. Review status: criteria provided, single submitter. Criteria: Invitae Variant Classification Sherloc (09022015). Collection method: clinical testing. Allele origin: germline.
Comment: This sequence change replaces valine, which is neutral and non-polar, with isoleucine, which is neutral and non-polar, at codon 424 of the MSH3 protein (p.Val424Ile). This variant is present in population databases (no rsID available, gnomAD 0.004%). This variant has not been reported in the literature in individuals affected with MSH3-related conditions. ClinVar contains an entry for this variant (Variation ID: 653069). An algorithm developed to predict the effect of missense changes on protein structure and function (PolyPhen-2) suggests that this variant is likely to be disruptive. In summary, the available evidence is currently insufficient to determine the role of this variant in disease. Therefore, it has been classified as a Variant of Uncertain Significance.

Quest Diagnostics Nichols Institute San Juan Capistrano
Classification: Uncertain significance. Last evaluated: 2025-07-15. Review status: criteria provided, single submitter. Criteria: Quest Diagnostics criteria. Collection method: clinical testing. Allele origin: unknown.
Comment: The MSH3 c.1270G>A (p.Val424Ile) variant has not been reported in individuals with MSH3-related conditions in the published literature. The frequency of this variant in the general population (Genome Aggregation Database) is uninformative in the assessment of its pathogenicity. Analysis of this variant using bioinformatics tools for the prediction of the effect of amino acid changes on protein structure and function yielded conflicting predictions that this variant is benign or damaging. Based on the available information, we are unable to determine the clinical significance of this variant.

Ambry Genetics
Classification: Uncertain significance for Hereditary cancer-predisposing syndrome. Last evaluated: 2024-11-14. Review status: criteria provided, single submitter. Criteria: Ambry Variant Classification Scheme 2023. Collection method: clinical testing. Allele origin: germline.

Baylor Genetics
Classification: Uncertain significance for Endometrial carcinoma. Last evaluated: 2024-02-27. Review status: criteria provided, single submitter. Criteria: ACMG Guidelines, 2015. Collection method: clinical testing. Allele origin: unknown.

Department of Pathology and Laboratory Medicine, Sinai Health System
Classification: Uncertain significance for Endometrial carcinoma; Familial adenomatous polyposis 4. Last evaluated: 2022-02-04. Review status: criteria provided, single submitter. Criteria: ACMG Guidelines, 2015. Collection method: clinical testing. Allele origin: germline. Affected: yes.

Sema4
Classification: Uncertain significance for Hereditary cancer-predisposing syndrome. Last evaluated: 2022-02-02. Review status: criteria provided, single submitter. Criteria: Sema4 Curation Guidelines. Collection method: curation. Allele origin: germline.
Comment: The MSH3 c.1270G>A (p.V424I) variant has not been reported in the literature to our knowledge. This variant was observed in 5/129036 chromosomes in the Non-Finnish European population according to the Genome Aggregation Database (PMID: 32461654). This variant has been reported in ClinVar (Variation ID 653069). Functional studies have not been performed, and in silico predictions of the variant's effect on protein function are inconclusive. The overall evidence is insufficient to meet ACMG/AMP criteria for classifying it as benign or pathogenic. In summary, the clinical significance of this variant is currently uncertain.

NM_002439.5(MSH3):c.1270G>A (p.Val424Ile)

Gene: MSH3 (mutS homolog 3; plus strand). Cytogenetic location: 5q14.1.
Variant type: single nucleotide variant.
Coding change: c.1270G>A on transcript NM_002439.5 (MANE Select); coding-DNA position 1270, G replaced by A.
Protein change: p.Val424Ile; replaces valine 424 with isoleucine.
Molecular consequence: missense variant.
Genome position (GRCh38, 1-based): chr5:80,679,023, G>A. VCF-style: chr5-80679023-G-A. GRCh37 (hg19) VCF-style: chr5-79974842-G-A.
Other names: short protein forms V424I.
Identifiers: ClinVar variation 653069 (VCV000653069.18), dbSNP rs1418423507, ClinGen allele CA360269013.